The following is an entry in ClinVar:

NM_000059.4(BRCA2):c.93G>C (p.Trp31Cys)

Gene: BRCA2 (BRCA2 DNA repair associated; plus strand). Cytogenetic location: 13q13.1.
Variant type: single nucleotide variant.
Coding change: c.93G>C on transcript NM_000059.4 (MANE Select); coding-DNA position 93, G replaced by C.
Protein change: p.Trp31Cys; replaces tryptophan 31 with cysteine.
Molecular consequence: missense variant.
Genome position (GRCh38, 1-based): chr13:32,319,102, G>C. VCF-style: chr13-32319102-G-C. GRCh37 (hg19) VCF-style: chr13-32893239-G-C.
Other names: short protein forms W31C.
Identifiers: ClinVar variation 185211 (VCV000185211.12), dbSNP rs80359214, ClinGen allele CA026139.

ClinVar aggregate classification (germline): Uncertain significance. Review status: criteria provided, multiple submitters, no conflicts (2 of 4 stars). 3 submissions from 3 submitters: Uncertain significance (3). Last evaluated 2025-05-30.

Conditions:
Hereditary cancer-predisposing syndrome. Also called: Hereditary neoplastic syndrome; Neoplastic Syndromes, Hereditary; Tumor predisposition; Hereditary Cancer Syndrome. Identifiers: Orphanet 140162, MedGen C0027672, MeSH D009386, MONDO:0015356.
Hereditary breast ovarian cancer syndrome. Also called: Hereditary breast and ovarian cancer syndrome (HBOC); Breast and ovarian cancer; Hereditary breast and/or ovarian cancer syndrome; BRCA1- and BRCA2-Associated Hereditary Breast and Ovarian Cancer; Hereditary breast and ovarian cancer syndrome; Hereditary breast and ovarian cancer. Identifiers: Orphanet 145, MedGen C0677776, MeSH D061325, MONDO:0003582. Disease mechanism: loss of function.
Familial cancer of breast. Also called: BREAST CANCER, FAMILIAL; Hereditary breast cancer; hereditary breast carcinoma. Identifiers: Orphanet 227535, MedGen C0346153, MONDO:0016419, OMIM 114480. Disease mechanism: loss of function.

Allele frequency attached by ClinVar (database versions not stated): gnomAD exomes below 0.00001.
gnomAD v4.1: 1 of 1,612,682 alleles (0.000062%); highest among the groups gnomAD compares: South Asian, 0.0011%; no homozygotes.

Submissions (3):

Department of Clinical Genetics, Copenhagen University Hospital, Rigshospitalet
Classification: Uncertain significance for Familial cancer of breast. Last evaluated: 2025-05-30. Review status: criteria provided, single submitter. Criteria: ACMG Guidelines, 2015. Collection method: clinical testing. Allele origin: germline.
Comment: The following ACMG criteria has been used: PM2_SUP; PS3_MOD; BP4

Ambry Genetics
Classification: Uncertain significance for Hereditary cancer-predisposing syndrome. Last evaluated: 2022-12-21. Review status: criteria provided, single submitter. Criteria: Ambry Variant Classification Scheme 2023. Collection method: clinical testing. Allele origin: germline.
Comment: The p.W31C variant (also known as c.93G>C), located in coding exon 2 of the BRCA2 gene, results from a G to C substitution at nucleotide position 93. The tryptophan at codon 31 is replaced by cysteine, an amino acid with highly dissimilar properties. p.W31C (encoded by this variant, c.93G>C, as well as a similar alteration, c.93G>T) has been described in the literature as causing impaired PALB2 binding and BRCA2-associated homology directed repair activity (Xia B et al. Mol. Cell. 2006 Jun;22:719-29; Siaud N et al. PLoS Genet. 2011 Dec;7(12):e1002409; Biswas K et al. Hum. Mol. Genet. 2012 Sep;21:3993-4006; Al Abo M et al. Cancer Res. 2014 Feb;74(3):797-807; Shimelis H. Cancer Res. 2017 Jun;77(11):2789-2799). In addition, p.W31C was found to be functionally deficient in a BRCA2-null mouse embryonic stem cell complementation assay (Mesman RLS et al. Genet Med . 2019 Feb;21(2):293-302), and has been reported as demonstrating increased sensitivity to PARP inhibitors in multiple cell-based assays (Shimelis H. Cancer Res. 2017 Jun;77(11):2789-2799; Biswas K et al. NPJ Genom Med . 2020 Dec;5(1):52; Ikegami M et al. Nat Commun . 2020 May;11(1):2573). Both c.93G>C and c.93G>T have been reported as demonstrating modestly increased expression of a transcript resulting from the deletion of coding exon 2 (known as &Delta; Exon 3 in the literature), however this transcript is also a naturally occurring transcript, and thus the clinical impact of any potential consequences on splicing is not clear (Biswas K et al. Hum Mol Genet. 2012 Sep;21(18):3993-4006; Thomassen M et al. Hum Mutat. 2022 Dec;43(12):1921-1944). This amino acid position is highly conserved in available vertebrate species. In addition, the in silico prediction for this alteration is inconclusive. Since supporting evidence is limited at this time, the clinical significance of this alteration remains unclear.

Labcorp Genetics (formerly Invitae), Labcorp
Classification: Uncertain significance for Hereditary breast ovarian cancer syndrome. Last evaluated: 2022-01-11. Review status: criteria provided, single submitter. Criteria: Invitae Variant Classification Sherloc (09022015). Collection method: clinical testing. Allele origin: germline.
Comment: In summary, the available evidence is currently insufficient to determine the role of this variant in disease. Therefore, it has been classified as a Variant of Uncertain Significance. Experimental studies have shown that this missense change affects BRCA2 function (PMID: 19609323, 22194698, 28283652, 29988080). Advanced modeling of protein sequence and biophysical properties (such as structural, functional, and spatial information, amino acid conservation, physicochemical variation, residue mobility, and thermodynamic stability) performed at Invitae indicates that this missense variant is not expected to disrupt BRCA2 protein function. ClinVar contains an entry for this variant (Variation ID: 185211). This variant has not been reported in the literature in individuals affected with BRCA2-related conditions. This variant is not present in population databases (gnomAD no frequency). This sequence change replaces tryptophan, which is neutral and slightly polar, with cysteine, which is neutral and slightly polar, at codon 31 of the BRCA2 protein (p.Trp31Cys).

Literature cited by the submitters: PubMed 35979650 (cited by Department of Clinical Genetics, Copenhagen University Hospital, Rigshospitalet and Ambry Genetics); PubMed 2998808 (cited by Department of Clinical Genetics, Copenhagen University Hospital, Rigshospitalet); PubMed 40232841 (cited by Department of Clinical Genetics, Copenhagen University Hospital, Rigshospitalet); PubMed 16793542 (cited by Ambry Genetics); PubMed 22194698 (cited by Ambry Genetics and Labcorp Genetics (formerly Invitae), Labcorp); PubMed 22678057 (cited by Ambry Genetics); PubMed 24285729 (cited by Ambry Genetics); PubMed 24817641 (cited by Ambry Genetics); PubMed 28283652 (cited by Ambry Genetics and Labcorp Genetics (formerly Invitae), Labcorp); PubMed 29988080 (cited by Ambry Genetics and Labcorp Genetics (formerly Invitae), Labcorp); PubMed 32444794 (cited by Ambry Genetics); PubMed 33293522 (cited by Ambry Genetics); PubMed 19609323 (cited by Labcorp Genetics (formerly Invitae), Labcorp).